The following is an entry in ClinVar:

NM_014391.3(ANKRD1):c.113del (p.Thr38fs)

Gene: ANKRD1 (ankyrin repeat domain 1; minus strand). Cytogenetic location: 10q23.31.
Variant type: Deletion.
Coding change: c.113del on transcript NM_014391.3 (MANE Select); coding-DNA position 113, one base deleted (C; older notation c.113delC).
Protein change: p.Thr38fs; shifts the reading frame from threonine 38.
Molecular consequence: frameshift variant.
Genome position (GRCh38, 1-based): chr10:90,920,263, G deleted on the plus strand (C on the coding strand, the reverse complement: ANKRD1 is on the minus strand). VCF-style (leftmost placement, unchanged base first): chr10-90920262-AG-A. GRCh37 (hg19) VCF-style: chr10-92680019-AG-A.
Other names: short protein forms T38fs.
Identifiers: ClinVar variation 1938564 (VCV001938564.5), dbSNP rs2492962771, ClinGen allele CA2580082299.

ClinVar aggregate classification (germline): Uncertain significance (1 of 4 stars; one submission).

Conditions:
ANKRD1-related dilated cardiomyopathy. Identifiers: MedGen CN119551.

Submission:

Labcorp Genetics (formerly Invitae), Labcorp
Classification: Uncertain significance for ANKRD1-related dilated cardiomyopathy. Last evaluated: 2022-07-22. Review status: criteria provided, single submitter. Criteria: Invitae Variant Classification Sherloc (09022015). Collection method: clinical testing. Allele origin: germline.
Comment: This sequence change creates a premature translational stop signal (p.Thr38Ilefs*2) in the ANKRD1 gene. It is expected to result in an absent or disrupted protein product. However, the current clinical and genetic evidence is not sufficient to establish whether loss-of-function variants in ANKRD1 cause disease. This variant is not present in population databases (gnomAD no frequency). This variant has not been reported in the literature in individuals affected with ANKRD1-related conditions. In summary, the available evidence is currently insufficient to determine the role of this variant in disease. Therefore, it has been classified as a Variant of Uncertain Significance.